The following is an entry in ClinVar:

NM_001164277.2(SLC37A4):c.626+5G>A

Gene: SLC37A4 (solute carrier family 37 member 4; minus strand). Cytogenetic location: 11q23.3.
Variant type: single nucleotide variant.
Coding change: c.626+5G>A on transcript NM_001164277.2 (MANE Select); 5 bases into the intron after coding-DNA position 626, G replaced by A.
Molecular consequence: intron variant.
Genome position (GRCh38, 1-based): chr11:119,027,623, C>T on the plus strand (G>A on the coding strand, the complement: SLC37A4 is on the minus strand). VCF-style: chr11-119027623-C-T. GRCh37 (hg19) VCF-style: chr11-118898333-C-T.
Other names: c.407+5G>A (NM_001164279.2); c.626+5G>A (NM_001467.6, NM_001164278.2, NM_001164280.2).
Identifiers: ClinVar variation 1012026 (VCV001012026.8), dbSNP rs1943610138, ClinGen allele CA2003749637.

ClinVar aggregate classification (germline): Uncertain significance (1 of 4 stars; one submission).

Conditions:
Glucose-6-phosphate transport defect (GSD1B). Also called: Glycogen Storage Disease Type Ib; GSD Ib. Identifiers: Orphanet 364, Orphanet 79259, MedGen C0268146, MONDO:0009288, OMIM 232220.

Submission:

Labcorp Genetics (formerly Invitae), Labcorp
Classification: Uncertain significance for Glucose-6-phosphate transport defect. Last evaluated: 2020-12-07. Review status: criteria provided, single submitter. Criteria: Invitae Variant Classification Sherloc (09022015). Collection method: clinical testing. Allele origin: germline.
Comment: Nucleotide substitutions within the consensus splice site are a relatively common cause of aberrant splicing (PMID: 17576681, 9536098). Algorithms developed to predict the effect of sequence changes on RNA splicing suggest that this variant may disrupt the consensus splice site, but this prediction has not been confirmed by published transcriptional studies. This variant has been observed in individual(s) with clinical features of glycogen storage disease (Invitae). It has also been observed to segregate with disease in related individuals. This variant is not present in population databases (ExAC no frequency). This sequence change falls in intron 5 of the SLC37A4 gene. It does not directly change the encoded amino acid sequence of the SLC37A4 protein. It affects a nucleotide within the consensus splice site of the intron. In summary, the available evidence is currently insufficient to determine the role of this variant in disease. Therefore, it has been classified as a Variant of Uncertain Significance.

Literature cited by the submitters: PubMed 17576681; PubMed 9536098.